The following is an entry in ClinVar:

ClinVar aggregate classification (germline): Benign/Likely benign. Review status: criteria provided, multiple submitters, no conflicts (2 of 4 stars). 6 submissions from 6 submitters: Benign (2); Likely benign (2). 2 of the submissions do not count toward it. Last evaluated 2026-02-01.

Conditions:
Jeune thoracic dystrophy. Also called: Infantile thoracic dystrophy; Thoracic pelvic phalangeal dystrophy; Jeune's syndrome; Chondroectodermal dysplasia-like syndrome; Jeune syndrome; Short-rib thoracic dysplasia. Identifiers: Orphanet 474, MedGen C0265275, MONDO:0018770.
Asphyxiating thoracic dystrophy 3. Also called: SHORT-RIB THORACIC DYSPLASIA 3 WITH OR WITHOUT POLYDACTYLY; POLYDACTYLY WITH NEONATAL CHONDRODYSTROPHY, TYPE I; SHORT-RIB THORACIC DYSPLASIA 3/6 WITH POLYDACTYLY, DIGENIC; Short rib polydactyly syndrome 2B; Saldino-Noonan Syndrome. Identifiers: Orphanet 474, Orphanet 93269, Orphanet 93270, Orphanet 93271, MedGen C0036069, MONDO:0013127, OMIM 613091.

Allele frequency attached by ClinVar (database versions not stated): ESP Exome Variant Server 0.00093; gnomAD 0.00113 and 0.00134; gnomAD exomes 0.00123 and 0.00192; TOPMed 0.00152; ExAC 0.00188; 1000 Genomes Project 30x 0.00234; 1000 Genomes Project 0.00240.
gnomAD v4.1: 2,039 of 1,601,684 alleles (0.13%); highest among the groups gnomAD compares: South Asian, 0.71%; 17 homozygotes.

Submissions (6):

Labcorp Genetics (formerly Invitae), Labcorp
Classification: Benign for Jeune thoracic dystrophy. Last evaluated: 2026-02-01. Review status: criteria provided, single submitter. Criteria: Invitae Variant Classification Sherloc (09022015). Collection method: clinical testing. Allele origin: germline.

Blueprint Genetics
Classification: Likely benign. Last evaluated: 2024-11-27. Review status: criteria provided, single submitter. Criteria: ACMG Guidelines, 2015. Collection method: clinical testing. Allele origin: germline.

ARUP Laboratories, Molecular Genetics and Genomics, ARUP Laboratories
Classification: Benign for Asphyxiating thoracic dystrophy 3. Last evaluated: 2021-10-21. Review status: criteria provided, single submitter. Criteria: ARUP Molecular Germline Variant Investigation Process 2021. Collection method: clinical testing. Allele origin: germline.

GeneDx
Classification: Likely benign. Last evaluated: 2016-03-21. Review status: criteria provided, single submitter. Criteria: GeneDx Variant Classification (06012015). Collection method: clinical testing. Allele origin: germline. Affected: yes.
Comment: This variant is considered likely benign or benign based on one or more of the following criteria: it is a conservative change, it occurs at a poorly conserved position in the protein, it is predicted to be benign by multiple in silico algorithms, and/or has population frequency not consistent with disease.

Genome Diagnostics Laboratory, University Medical Center Utrecht
Classification: Benign. Review status: no assertion criteria provided. Collection method: clinical testing. Allele origin: germline. Affected: yes. Study: VKGL Data-share Consensus. Not counted in ClinVar's aggregate classification.

Joint Genome Diagnostic Labs from Nijmegen and Maastricht, Radboudumc and MUMC+
Classification: Benign. Review status: no assertion criteria provided. Collection method: clinical testing. Allele origin: germline. Affected: yes. Study: VKGL Data-share Consensus. Not counted in ClinVar's aggregate classification.

NM_001377.3(DYNC2H1):c.12566+17A>G

Gene: DYNC2H1 (dynein cytoplasmic 2 heavy chain 1; plus strand). Cytogenetic location: 11q22.3.
Variant type: single nucleotide variant.
Coding change: c.12566+17A>G on transcript NM_001377.3 (MANE Select); 17 bases into the intron after coding-DNA position 12566, A replaced by G.
Molecular consequence: intron variant.
Genome position (GRCh38, 1-based): chr11:103,455,312, A>G. VCF-style: chr11-103455312-A-G. GRCh37 (hg19) VCF-style: chr11-103326040-A-G.
Other names: c.12587+17A>G (NM_001080463.2).
Identifiers: ClinVar variation 380480 (VCV000380480.20), dbSNP rs187787132, ClinGen allele CA6255599.